The following is an entry in ClinVar:

NM_138295.5(PKD1L1):c.4470T>G (p.His1490Gln)

Gene: PKD1L1 (polycystin 1 like 1, transient receptor potential channel interacting; minus strand). Cytogenetic location: 7p12.3.
Variant type: single nucleotide variant.
Coding change: c.4470T>G on transcript NM_138295.5 (MANE Select); coding-DNA position 4470, T replaced by G.
Protein change: p.His1490Gln; replaces histidine 1490 with glutamine.
Molecular consequence: missense variant.
Genome position (GRCh38, 1-based): chr7:47,857,725, A>C on the plus strand (T>G on the coding strand, the complement: PKD1L1 is on the minus strand). VCF-style: chr7-47857725-A-C. GRCh37 (hg19) VCF-style: chr7-47897323-A-C.
Other names: short protein forms H1490Q.
Identifiers: ClinVar variation 2631896 (VCV002631896.1), dbSNP rs369661675, ClinGen allele CA4253102.

ClinVar aggregate classification (germline): Uncertain significance (1 of 4 stars; one submission).

Conditions:
PKD1L1-related disorder. Also called: PKD1L1-related condition.

Allele frequency attached by ClinVar (database versions not stated): TOPMed 0.00002; gnomAD 0.00005; gnomAD exomes 0.00005; ExAC 0.00012.
gnomAD v4.1: 88 of 1,614,074 alleles (0.0055%); highest among the groups gnomAD compares: South Asian, 0.088%; no homozygotes.

Submission:

PreventionGenetics, part of Exact Sciences
Classification: Uncertain significance for PKD1L1-related condition. Last evaluated: 2023-07-13. Review status: criteria provided, single submitter. Criteria: ACMG Guidelines, 2015. Collection method: clinical testing. Allele origin: germline.
Comment: The PKD1L1 c.4470T>G variant is predicted to result in the amino acid substitution p.His1490Gln. To our knowledge, this variant has not been reported in the literature. This variant is reported in 0.098% of alleles in individuals of South Asian descent in gnomAD, which is likely too high to be an unreported primary cause of disease. Although we suspect that this variant may be benign, at this time, the clinical significance of this variant is uncertain due to the absence of conclusive functional and genetic evidence.